The following is an entry in ClinVar:

ClinVar aggregate classification (germline): Uncertain significance. Review status: criteria provided, multiple submitters, no conflicts (2 of 4 stars). 4 submissions from 4 submitters: Uncertain significance (4). Last evaluated 2026-03-03.

Conditions:
Posterior column ataxia-retinitis pigmentosa syndrome (RETSNS). Also called: RETINOPATHY-SENSORY NEUROPATHY SYNDROME. Identifiers: Orphanet 88628, MedGen C1836916, MONDO:0012177, OMIM 609033.
Fetal anomalies with a likely genetic cause.

Allele frequency attached by ClinVar (database versions not stated): gnomAD 0.00001; TOPMed 0.00001; gnomAD exomes 0.00002.
gnomAD v4.1: 25 of 1,592,222 alleles (0.0016%); highest among the groups gnomAD compares: Non-Finnish European, 0.0021%; no homozygotes.

Submissions (4):

Genetics Laboratory, Great Ormond Street Hospital NHS Foundation Trust, North Thames Genomic Laboratory Hub
Classification: Uncertain significance for Fetal anomalies with a likely genetic cause. Last evaluated: 2026-03-03. Review status: criteria provided, single submitter. Criteria: ACGS Best Practice Guidelines for Variant Classification in Rare Disease 2024 v1.2. Collection method: clinical testing. Allele origin: germline. Affected: yes.
Comment: PM2_moderate, PP3_supporting, PM3_moderate

Revvity Omics, Revvity
Classification: Uncertain significance for Posterior column ataxia-retinitis pigmentosa syndrome. Last evaluated: 2023-06-07. Review status: criteria provided, single submitter. Criteria: ACMG Guidelines, 2015. Collection method: clinical testing. Allele origin: germline.

Blueprint Genetics
Classification: Uncertain significance. Last evaluated: 2021-10-19. Review status: criteria provided, single submitter. Criteria: ACMG Guidelines, 2015. Collection method: clinical testing. Allele origin: germline.

Labcorp Genetics (formerly Invitae), Labcorp
Classification: Uncertain significance. Last evaluated: 2020-03-11. Review status: criteria provided, single submitter. Criteria: Invitae Variant Classification Sherloc (09022015). Collection method: clinical testing. Allele origin: germline.
Comment: This sequence change affects codon 471 of the FLVCR1 mRNA. It is a 'silent' change, meaning that it does not change the encoded amino acid sequence of the FLVCR1 protein. This variant also falls at the last nucleotide of exon 7 of the FLVCR1 coding sequence, which is part of the consensus splice site for this exon. In summary, the available evidence is currently insufficient to determine the role of this variant in disease. Therefore, it has been classified as a Variant of Uncertain Significance. Nucleotide substitutions within the consensus splice site are a relatively common cause of aberrant splicing (PMID: 17576681, 9536098). Algorithms developed to predict the effect of sequence changes on RNA splicing suggest that this variant may disrupt the consensus splice site, but this prediction has not been confirmed by published transcriptional studies. This variant has not been reported in the literature in individuals with FLVCR1-related conditions. This variant is not present in population databases (ExAC no frequency).

Literature cited by the submitters: PubMed 17576681 (cited by Labcorp Genetics (formerly Invitae), Labcorp); PubMed 9536098 (cited by Labcorp Genetics (formerly Invitae), Labcorp).

NM_014053.4(FLVCR1):c.1413G>A (p.Gln471=)

Gene: FLVCR1 (FLVCR choline and heme transporter 1; plus strand). Cytogenetic location: 1q32.3.
Variant type: single nucleotide variant.
Coding change: c.1413G>A on transcript NM_014053.4 (MANE Select); coding-DNA position 1413, G replaced by A.
Protein change: p.Gln471=; no amino-acid change (glutamine 471 retained).
Molecular consequence: synonymous variant.
Genome position (GRCh38, 1-based): chr1:212,888,594, G>A. VCF-style: chr1-212888594-G-A. GRCh37 (hg19) VCF-style: chr1-213061936-G-A.
Identifiers: ClinVar variation 866250 (VCV000866250.12), dbSNP rs1391075754, ClinGen allele CA423300723.